The following is an entry in ClinVar:

NM_001818.5(AKR1C4):c.542G>T (p.Gly181Val)

Gene: AKR1C4 (aldo-keto reductase family 1 member C4; plus strand). Cytogenetic location: 10p15.1.
Variant type: single nucleotide variant.
Coding change: c.542G>T on transcript NM_001818.5 (MANE Select); coding-DNA position 542, G replaced by T.
Protein change: p.Gly181Val; replaces glycine 181 with valine.
Molecular consequence: missense variant.
Genome position (GRCh38, 1-based): chr10:5,206,369, G>T. VCF-style: chr10-5206369-G-T. GRCh37 (hg19) VCF-style: chr10-5248332-G-T.
Other names: c.542G>T (NM_001818.3); short protein forms G181V.
Identifiers: ClinVar variation 2912462 (VCV002912462.4), dbSNP rs201298644, ClinGen allele CA5391488.
Genomic context (GRCh38, chr10:5,206,369, plus strand): 5'-AGTCCATCGGGGTGTCAAACTTCAACTGCAGGCAGCTGGAGATGATCCTCAACAAGCCAG[G>T]ACTCAAGTACAAGCCTGTCTGCAACCAGGTGAGCACCCTCAGCCTCCTCTCCTTTCTCTT-3'
Protein context (NP_001809.4, residues 171-191): RQLEMILNKP[Gly181Val]LKYKPVCNQV

ClinVar aggregate classification (germline): Likely benign. Review status: criteria provided, multiple submitters, no conflicts (2 of 4 stars). 2 submissions from 2 submitters: Likely benign (2). Last evaluated 2025-06-23.

Conditions:
AKR1C4-related disorder. Also called: AKR1C4-related condition.

Allele frequency attached by ClinVar (database versions not stated): TOPMed 0.00002; gnomAD 0.00014; ExAC 0.00075; 1000 Genomes Project 30x 0.00094; 1000 Genomes Project 0.00100.
gnomAD v4.1: 484 of 1,614,040 alleles (0.03%); highest among the groups gnomAD compares: South Asian, 0.51%; 1 homozygote.

Submissions (2):

PreventionGenetics, part of Exact Sciences
Classification: Likely benign for AKR1C4-related condition. Last evaluated: 2025-06-23. Review status: criteria provided, single submitter. Criteria: ACMG Guidelines, 2015. Collection method: clinical testing. Allele origin: germline.
Comment: This variant is classified as likely benign based on ACMG/AMP sequence variant interpretation guidelines (Richards et al. 2015 PMID: 25741868, with internal and published modifications).

Labcorp Genetics (formerly Invitae), Labcorp
Classification: Likely benign. Last evaluated: 2023-02-08. Review status: criteria provided, single submitter. Criteria: Invitae Variant Classification Sherloc (09022015). Collection method: clinical testing. Allele origin: germline.